The following is an entry in ClinVar:

ClinVar aggregate classification (germline): Uncertain significance (1 of 4 stars; one submission).

gnomAD v4.1: 8 of 1,614,146 alleles (0.0005%); highest among the groups gnomAD compares: African/African-American, 0.011%; no homozygotes.

Submission:

GeneDx
Classification: Uncertain significance. Last evaluated: 2026-03-25. Review status: criteria provided, single submitter. Criteria: GeneDx Variant Classification Process June 2021. Collection method: clinical testing. Allele origin: germline.
Comment: In silico analysis suggests that this missense variant does not alter protein structure/function; Has not been previously published as pathogenic or benign to our knowledge

NM_206933.4(USH2A):c.3571G>A (p.Gly1191Ser)

Genes: USH2A (usherin; minus strand), USH2A-AS1 (USH2A antisense RNA 1; plus strand). Cytogenetic location: 1q41.
Variant type: single nucleotide variant.
Coding change: c.3571G>A on transcript NM_206933.4 (MANE Select); coding-DNA position 3571, G replaced by A.
Protein change: p.Gly1191Ser; replaces glycine 1191 with serine.
Molecular consequence: missense variant.
Genome position (GRCh38, 1-based): chr1:216,199,867, C>T on the plus strand (G>A on the coding strand, the complement: USH2A is on the minus strand). VCF-style: chr1-216199867-C-T. GRCh37 (hg19) VCF-style: chr1-216373209-C-T.
Other names: c.3571G>A, p.Gly1191Ser (NM_007123.6); short protein forms G1191S.
Identifiers: ClinVar variation 5016981 (VCV005016981.1).
Genomic context (GRCh38, chr1:216,199,867, plus strand): 5'-CCAGATTCCAGATGGTAGCTGAGGTTTCATGACCTTCGTAGGAAACACATGGCTGACCAC[C>T]AGCCAAAGGGGCACAGGACAAAATATATTTCTCTATGGGACCAGATTGATTTGAGAGTGT-3'
Protein context (NP_996816.3, residues 1181-1201): KYILSCAPLA[Gly1191Ser]GQPCVSYEGH